The following is an entry in ClinVar:

ClinVar aggregate classification (germline): Benign. Review status: criteria provided, multiple submitters, no conflicts (2 of 4 stars). 7 submissions from 3 submitters: Benign (7). Last evaluated 2018-06-19.

Conditions:
Congenital myasthenic syndrome 16. Identifiers: Orphanet 590, MedGen C3280112, MONDO:0013620, OMIM 614198.
Paramyotonia congenita of Von Eulenburg. Also called: Paramyotonia Congenita; PARALYSIS PERIODICA PARAMYOTONICA; Eulenburg disease; Myotonia congenita intermittens; Von Eulenburg paramyotonia congenita. Identifiers: Orphanet 684, MedGen C0221055, MONDO:0008195, OMIM 168300. Disease mechanism: loss of function.
Hypokalemic periodic paralysis, type 2 (HOKPP2). Identifiers: Orphanet 681, MedGen C2750061, MONDO:0013234, OMIM 613345.
Hyperkalemic periodic paralysis. Also called: Familial hyperkalemic periodic paralysis; Gamstorp disease. Identifiers: Orphanet 682, MedGen C0238357, MONDO:0008224, OMIM 170500, HP:0007215.
Potassium-aggravated myotonia. Also called: Myotonia congenita, atypical, acetazolamide-responsive; MYOTONIA CONGENITA, ACETAZOLAMIDE-RESPONSIVE; MYOTONIA CONGENITA, ATYPICAL; SODIUM CHANNEL MUSCLE DISEASE. Identifiers: Orphanet 612, Orphanet 99734, Orphanet 99735, Orphanet 99736, MedGen C2931826, MONDO:0018959, OMIM 608390.

Allele frequency attached by ClinVar (database versions not stated): ExAC 0.05612; ESP Exome Variant Server 0.17488; TOPMed 0.18864; 1000 Genomes Project 0.19129; gnomAD exomes 0.01619 and 0.05094; gnomAD 0.17899 and 0.16727.
gnomAD v4.1: 48,888 of 1,535,320 alleles (3.2%); highest among the groups gnomAD compares: African/African-American, 58%; 12,858 homozygotes.

Submissions (7):

GeneDx
Classification: Benign. Last evaluated: 2018-06-19. Review status: criteria provided, single submitter. Criteria: GeneDx Variant Classification Process June 2021. Collection method: clinical testing. Allele origin: germline. Affected: yes.

Illumina Laboratory Services, Illumina
Classification: Benign for Paramyotonia congenita of Von Eulenburg. Last evaluated: 2018-01-13. Review status: criteria provided, single submitter. Criteria: ICSL Variant Classification Criteria 13 December 2019. Collection method: clinical testing. Allele origin: germline.
Comment: This variant was observed in the ICSL laboratory as part of a predisposition screen in an ostensibly healthy population. It had not been previously curated by ICSL or reported in the Human Gene Mutation Database (HGMD: prior to June 1st, 2018), and was therefore a candidate for classification through an automated scoring system. Utilizing variant allele frequency, disease prevalence and penetrance estimates, and inheritance mode, an automated score was calculated to assess if this variant is too frequent to cause the disease. Based on the score and internal cut-off values, a variant classified as benign is not then subjected to further curation. The score for this variant resulted in a classification of benign for this disease.

Illumina Laboratory Services, Illumina
Classification: Benign for Potassium-aggravated myotonia. Last evaluated: 2018-01-13. Review status: criteria provided, single submitter. Criteria: ICSL Variant Classification Criteria 13 December 2019. Collection method: clinical testing. Allele origin: germline.
Comment: the same text as in the submission from Illumina Laboratory Services, Illumina above.

Illumina Laboratory Services, Illumina
Classification: Benign for Congenital myasthenic syndrome 16. Last evaluated: 2018-01-13. Review status: criteria provided, single submitter. Criteria: ICSL Variant Classification Criteria 13 December 2019. Collection method: clinical testing. Allele origin: germline.
Comment: the same text as in the submission from Illumina Laboratory Services, Illumina above.

Illumina Laboratory Services, Illumina
Classification: Benign for Hyperkalemic periodic paralysis. Last evaluated: 2018-01-13. Review status: criteria provided, single submitter. Criteria: ICSL Variant Classification Criteria 13 December 2019. Collection method: clinical testing. Allele origin: germline.
Comment: the same text as in the submission from Illumina Laboratory Services, Illumina above.

Illumina Laboratory Services, Illumina
Classification: Benign for Hypokalemic periodic paralysis, type 2. Last evaluated: 2018-01-13. Review status: criteria provided, single submitter. Criteria: ICSL Variant Classification Criteria 13 December 2019. Collection method: clinical testing. Allele origin: germline.
Comment: the same text as in the submission from Illumina Laboratory Services, Illumina above.

Breakthrough Genomics
Classification: Benign. Review status: criteria provided, single submitter. Criteria: ACMG Guidelines, 2015. Collection method: not provided. Allele origin: germline. Inheritance: Autosomal recessive inheritance. Affected: yes.

NM_000334.4(SCN4A):c.*22A>G

Genes: GH-LCR (growth hormone locus control region; plus strand), SCN4A (sodium voltage-gated channel alpha subunit 4; minus strand). Cytogenetic location: 17q23.3.
Variant type: single nucleotide variant.
Coding change: c.*22A>G on transcript NM_000334.4 (MANE Select); 22 bases downstream of the stop codon, A replaced by G.
Molecular consequence: 3 prime UTR variant.
Genome position (GRCh38, 1-based): chr17:63,940,749, T>C on the plus strand (A>G on the coding strand, the complement: SCN4A is on the minus strand). VCF-style: chr17-63940749-T-C. GRCh37 (hg19) VCF-style: chr17-62018109-T-C.
Identifiers: ClinVar variation 324504 (VCV000324504.9), dbSNP rs2228995, ClinGen allele CA8708726.